The following is an entry in ClinVar:

ClinVar aggregate classification (germline): Uncertain significance (1 of 4 stars; one submission).

gnomAD v4.1: 1 of 1,612,214 alleles (0.000062%); highest among the groups gnomAD compares: Admixed American, 0.0017%; no homozygotes.

Submission:

Labcorp Genetics (formerly Invitae), Labcorp
Classification: Uncertain significance. Last evaluated: 2023-11-24. Review status: criteria provided, single submitter. Criteria: Invitae Variant Classification Sherloc (09022015). Collection method: clinical testing. Allele origin: germline.
Comment: This sequence change replaces threonine, which is neutral and polar, with serine, which is neutral and polar, at codon 936 of the ITGAM protein (p.Thr936Ser). This variant is not present in population databases (gnomAD no frequency). This variant has not been reported in the literature in individuals affected with ITGAM-related conditions. An algorithm developed to predict the effect of missense changes on protein structure and function (PolyPhen-2) suggests that this variant is likely to be disruptive. In summary, the available evidence is currently insufficient to determine the role of this variant in disease. Therefore, it has been classified as a Variant of Uncertain Significance.

NM_000632.4(ITGAM):c.2806A>T (p.Thr936Ser)

Gene: ITGAM (integrin subunit alpha M; plus strand). Cytogenetic location: 16p11.2.
Variant type: single nucleotide variant.
Coding change: c.2806A>T on transcript NM_000632.4 (MANE Select); coding-DNA position 2806, A replaced by T.
Protein change: p.Thr936Ser; replaces threonine 936 with serine.
Molecular consequence: missense variant.
Genome position (GRCh38, 1-based): chr16:31,329,241, A>T. VCF-style: chr16-31329241-A-T. GRCh37 (hg19) VCF-style: chr16-31340562-A-T.
Other names: c.2809A>T, p.Thr937Ser (NM_001145808.2); short protein forms T936S, T937S.
Identifiers: ClinVar variation 2802191 (VCV002802191.3), dbSNP rs2080549190, ClinGen allele CA395698309.